The following is an entry in ClinVar:

ClinVar aggregate classification (germline): Conflicting classifications of pathogenicity. Review status: criteria provided, conflicting classifications (1 of 4 stars). 4 submissions from 4 submitters: Uncertain significance (1); Likely benign (3). Last evaluated 2026-09-01.

Conditions:
Dilated cardiomyopathy 1G (CMD1G). Identifiers: Orphanet 154, MedGen C1858763, MONDO:0011400, OMIM 604145.
Autosomal recessive limb-girdle muscular dystrophy type 2J (LGMDR10). Also called: Limb-girdle muscular dystrophy, type 2J; MUSCULAR DYSTROPHY, LIMB-GIRDLE, AUTOSOMAL RECESSIVE 10. Identifiers: Orphanet 140922, MedGen C1837342, MONDO:0012127, OMIM 608807.
TTN-related disorder. Also called: TTN-related disorders; TTN-related condition; TTN-related disease.

Allele frequency attached by ClinVar (database versions not stated): ExAC 0.00003; gnomAD 0.00003; gnomAD exomes 0.00003; TOPMed 0.00003; ESP Exome Variant Server 0.00017.
gnomAD v4.1: 48 of 1,611,078 alleles (0.003%); highest among the groups gnomAD compares: East Asian, 0.0067%; no homozygotes.

Submissions (4):

CeGaT Center for Human Genetics Tuebingen
Classification: Likely benign. Last evaluated: 2026-09-01. Review status: criteria provided, single submitter. Criteria: CeGaT Center For Human Genetics Tuebingen Variant Classification Criteria Version 2. Collection method: clinical testing. Allele origin: germline. Affected: yes. Observed: 2 variant alleles.
Comment: TTN: BP4, BP7

Labcorp Genetics (formerly Invitae), Labcorp
Classification: Likely benign for Dilated cardiomyopathy 1G; Autosomal recessive limb-girdle muscular dystrophy type 2J. Last evaluated: 2026-02-01. Review status: criteria provided, single submitter. Criteria: Invitae Variant Classification Sherloc (09022015). Collection method: clinical testing. Allele origin: germline.

PreventionGenetics, part of Exact Sciences
Classification: Uncertain significance for TTN-related condition. Last evaluated: 2025-11-17. Review status: criteria provided, single submitter. Criteria: ACMG Guidelines, 2015. Collection method: clinical testing. Allele origin: germline.
Comment: The TTN c.36207G>A variant is not predicted to result in an amino acid change (p.=). This variant is predicted to alter splicing based on available splicing prediction programs (SpliceAI, Jaganathan et al. 2019. PubMed ID: 30661751). However, the use of computer prediction programs is not equivalent to functional evidence. This variant is reported in 0.014% of alleles in individuals of African descent in gnomAD. At this time, the clinical significance of this variant is uncertain due to the absence of conclusive functional and genetic evidence.

Molecular Diagnostic Laboratory for Inherited Cardiovascular Disease, Montreal Heart Institute
Classification: Likely benign. Last evaluated: 2025-07-24. Review status: criteria provided, single submitter. Criteria: ACMG Guidelines, 2015. Collection method: clinical testing. Allele origin: germline. Affected: no.

NM_001267550.2(TTN):c.36207G>A (p.Pro12069=)

Gene: TTN (titin; minus strand). Cytogenetic location: 2q31.2.
Variant type: single nucleotide variant.
Coding change: c.36207G>A on transcript NM_001267550.2 (MANE Select); coding-DNA position 36207, G replaced by A.
Protein change: p.Pro12069=; no amino-acid change (proline 12069 retained).
Molecular consequence: synonymous variant. On other transcripts: intron variant (5).
Genome position (GRCh38, 1-based): chr2:178,664,533, C>T on the plus strand (G>A on the coding strand, the complement: TTN is on the minus strand). VCF-style: chr2-178664533-C-T. GRCh37 (hg19) VCF-style: chr2-179529260-C-T.
Other names: c.13283-22216G>A (NM_003319.4); c.13859-22216G>A (NM_133437.4); c.13658-22216G>A (NM_133432.3); c.31484-1478G>A (NM_133378.4); c.34265-1478G>A (NM_001256850.1).
Identifiers: ClinVar variation 701014 (VCV000701014.15), dbSNP rs370960330, ClinGen allele CA1997606.